The following is an entry in ClinVar:

ClinVar aggregate classification (germline): Uncertain significance (1 of 4 stars; one submission).

gnomAD v4.1: 4 of 1,606,084 alleles (0.00025%); highest among the groups gnomAD compares: African/African-American, 0.0013%; no homozygotes.

Submission:

Mayo Clinic Laboratories, Mayo Clinic
Classification: Uncertain significance. Last evaluated: 2024-12-27. Review status: criteria provided, single submitter. Criteria: ACMG Guidelines, 2015. Collection method: clinical testing. Allele origin: germline. Observed: 1 variant allele.
Comment: BP4_moderate, PM1_supporting

NM_198291.3(SRC):c.739G>A (p.Val247Met)

Gene: SRC (SRC proto-oncogene, non-receptor tyrosine kinase; plus strand). Cytogenetic location: 20q11.23.
Variant type: single nucleotide variant.
Coding change: c.739G>A on transcript NM_198291.3 (MANE Select); coding-DNA position 739, G replaced by A.
Protein change: p.Val247Met; replaces valine 247 with methionine.
Molecular consequence: missense variant.
Genome position (GRCh38, 1-based): chr20:37,397,734, G>A. VCF-style: chr20-37397734-G-A. GRCh37 (hg19) VCF-style: chr20-36026137-G-A.
Other names: p.Val247Met; c.739G>A, p.Val247Met (NM_005417.5); short protein forms V247M.
Identifiers: ClinVar variation 4542388 (VCV004542388.1).
Genomic context (GRCh38, chr20:37,397,734, plus strand): 5'-ACTGCTCCTCCTGCCTCCTCCTCAGAACACGCCGATGGCCTGTGCCACCGCCTCACCACC[G>A]TGTGCCCCACGTCCAAGCCGCAGACTCAGGGCCTGGCCAAGGATGCCTGGGAGATCCCTC-3'
Protein context (NP_938033.1, residues 237-257): ADGLCHRLTT[Val247Met]CPTSKPQTQG